The following is an entry in ClinVar:

NM_001136193.2(FASTKD2):c.632C>G (p.Pro211Arg)

Gene: FASTKD2 (FAST kinase domains 2; plus strand). Cytogenetic location: 2q33.3.
Variant type: single nucleotide variant.
Coding change: c.632C>G on transcript NM_001136193.2 (MANE Select); coding-DNA position 632, C replaced by G.
Protein change: p.Pro211Arg; replaces proline 211 with arginine.
Molecular consequence: missense variant.
Genome position (GRCh38, 1-based): chr2:206,767,325, C>G. VCF-style: chr2-206767325-C-G. GRCh37 (hg19) VCF-style: chr2-207632049-C-G.
Other names: c.632C>G, p.Pro211Arg (NM_001136194.2, NM_014929.4); short protein forms P211R.
Identifiers: ClinVar variation 4278940 (VCV004278940.1).
Genomic context (GRCh38, chr2:206,767,325, plus strand): 5'-TTGCCAAAAGACTGTCTGATGACCAGAAGCGCTTTGAAAAACGACTGATGTTTAGCCACC[C>G]TGCATTTAATCAGCTCTGTGAACATATGATGAGAGAAGCCAAGATCATGCAGTATAAGTA-3'
Protein context (NP_001129665.1, residues 201-221): RFEKRLMFSH[Pro211Arg]AFNQLCEHMM

ClinVar aggregate classification (germline): Likely pathogenic (1 of 4 stars; one submission).

Conditions:
Combined oxidative phosphorylation deficiency 44. Also called: FASTKD2-Related Combined Oxidative Phosphorylation Deficiency. Identifiers: MedGen C5394293, MONDO:0030020, OMIM 618855.

gnomAD v4.1: 1 of 1,614,176 alleles (0.000062%); no homozygotes.

Submission:

Kasturba Medical College, Manipal, Kasturba Medical College, Manipal, Manipal Academy of Higher Education, Manipal, India
Classification: Likely pathogenic for Combined oxidative phosphorylation deficiency 44. Review status: criteria provided, single submitter. Criteria: ACMG Guidelines, 2015. Collection method: research. Allele origin: paternal. Inheritance: Autosomal recessive inheritance. Affected: yes. Observed: 1 heterozygote.
Comment: This variant is not reported in any state in population database gnomAD and in-house database of 3160 exomes. In silico prediction tools (MutationTaster2, REVEL and CADD_phred) predicted the variant to be damaging to the protein function.